The following is an entry in ClinVar:

ClinVar aggregate classification (germline): Likely benign. Review status: criteria provided, single submitter (1 of 4 stars). 2 submissions from 2 submitters: Likely benign (1). 1 of the submissions does not count toward it. Last evaluated 2024-08-20.

Conditions:
WASF1-related disorder. Also called: WASF1-related condition.

Allele frequency attached by ClinVar (database versions not stated): 1000 Genomes Project 0.00080; 1000 Genomes Project 30x 0.00109; gnomAD 0.00151; TOPMed 0.00171; ESP Exome Variant Server 0.00177.

Submissions (2):

Blueprint Genetics
Classification: Likely benign. Last evaluated: 2024-08-20. Review status: criteria provided, single submitter. Criteria: ACMG Guidelines, 2015. Collection method: clinical testing. Allele origin: germline.

PreventionGenetics, part of Exact Sciences
Classification: Benign for WASF1-related condition. Last evaluated: 2021-09-24. Review status: no assertion criteria provided. Collection method: clinical testing. Allele origin: germline. Not counted in ClinVar's aggregate classification.
Comment: This variant is classified as benign based on ACMG/AMP sequence variant interpretation guidelines (Richards et al. 2015 PMID: 25741868, with internal and published modifications).

NM_003931.3(WASF1):c.1045C>T (p.Pro349Ser)

Gene: WASF1 (WASP family member 1; minus strand). Cytogenetic location: 6q21.
Variant type: single nucleotide variant.
Coding change: c.1045C>T on transcript NM_003931.3 (MANE Select); coding-DNA position 1045, C replaced by T.
Protein change: p.Pro349Ser; replaces proline 349 with serine.
Molecular consequence: missense variant.
Genome position (GRCh38, 1-based): chr6:110,102,065, G>A on the plus strand (C>T on the coding strand, the complement: WASF1 is on the minus strand). VCF-style: chr6-110102065-G-A. GRCh37 (hg19) VCF-style: chr6-110423268-G-A.
Other names: c.1045C>T, p.Pro349Ser (NM_001024934.2, NM_001024935.2, NM_001024936.2); short protein forms P349S.
Identifiers: ClinVar variation 3051343 (VCV003051343.3), dbSNP rs147654100, ClinGen allele CA3956857.